The following is an entry in ClinVar:

NM_033004.4(NLRP1):c.22C>A (p.Arg8Ser)

Genes: NLRP1 (NLR family pyrin domain containing 1; minus strand), LOC126862475 (CDK7 strongly-dependent group 2 enhancer GRCh37_chr17:5487167-5488366; plus strand). Cytogenetic location: 17p13.2.
Variant type: single nucleotide variant.
Coding change: c.22C>A on transcript NM_033004.4 (MANE Select); coding-DNA position 22, C replaced by A.
Protein change: p.Arg8Ser; replaces arginine 8 with serine.
Molecular consequence: missense variant.
Genome position (GRCh38, 1-based): chr17:5,583,936, G>T on the plus strand (C>A on the coding strand, the complement: NLRP1 is on the minus strand). VCF-style: chr17-5583936-G-T. GRCh37 (hg19) VCF-style: chr17-5487256-G-T.
Other names: c.22C>A, p.Arg8Ser (NM_001033053.3, NM_014922.5, NM_033006.4 and 1 more transcripts); short protein forms R8S.
Identifiers: ClinVar variation 1940982 (VCV001940982.5), dbSNP rs771011373, ClinGen allele CA397391363.

ClinVar aggregate classification (germline): Uncertain significance (1 of 4 stars; one submission).

gnomAD v4.1: 3 of 1,609,534 alleles (0.00019%); highest among the groups gnomAD compares: Middle Eastern, 0.017%; no homozygotes.

Submission:

Labcorp Genetics (formerly Invitae), Labcorp
Classification: Uncertain significance. Last evaluated: 2022-02-02. Review status: criteria provided, single submitter. Criteria: Invitae Variant Classification Sherloc (09022015). Collection method: clinical testing. Allele origin: germline.
Comment: This variant is not present in population databases (gnomAD no frequency). Algorithms developed to predict the effect of missense changes on protein structure and function are either unavailable or do not agree on the potential impact of this missense change (SIFT: "Deleterious"; PolyPhen-2: "Possibly Damaging"; Align-GVGD: "Class C0"). This variant has not been reported in the literature in individuals affected with NLRP1-related conditions. In summary, the available evidence is currently insufficient to determine the role of this variant in disease. Therefore, it has been classified as a Variant of Uncertain Significance. This sequence change replaces arginine, which is basic and polar, with serine, which is neutral and polar, at codon 8 of the NLRP1 protein (p.Arg8Ser).